The following is an entry in ClinVar:

ClinVar aggregate classification (germline): Uncertain significance (1 of 4 stars; one submission).

Submission:

Labcorp Genetics (formerly Invitae), Labcorp
Classification: Uncertain significance. Last evaluated: 2024-05-12. Review status: criteria provided, single submitter. Criteria: Invitae Variant Classification Sherloc (09022015). Collection method: clinical testing. Allele origin: germline.
Comment: This sequence change replaces valine, which is neutral and non-polar, with phenylalanine, which is neutral and non-polar, at codon 456 of the ZBTB20 protein (p.Val456Phe). This variant is not present in population databases (gnomAD no frequency). This variant has not been reported in the literature in individuals affected with ZBTB20-related conditions. Advanced modeling of protein sequence and biophysical properties (such as structural, functional, and spatial information, amino acid conservation, physicochemical variation, residue mobility, and thermodynamic stability) performed at Invitae indicates that this missense variant is not expected to disrupt ZBTB20 protein function with a negative predictive value of 95%. In summary, the available evidence is currently insufficient to determine the role of this variant in disease. Therefore, it has been classified as a Variant of Uncertain Significance.

NM_001348800.3(ZBTB20):c.1366G>T (p.Val456Phe)

Gene: ZBTB20 (zinc finger and BTB domain containing 20; minus strand). Cytogenetic location: 3q13.31.
Variant type: single nucleotide variant.
Coding change: c.1366G>T on transcript NM_001348800.3 (MANE Select); coding-DNA position 1366, G replaced by T.
Protein change: p.Val456Phe; replaces valine 456 with phenylalanine.
Molecular consequence: missense variant.
Genome position (GRCh38, 1-based): chr3:114,350,712, C>A on the plus strand (G>T on the coding strand, the complement: ZBTB20 is on the minus strand). VCF-style: chr3-114350712-C-A. GRCh37 (hg19) VCF-style: chr3-114069559-C-A.
Other names: c.1366G>T, p.Val456Phe (NM_001164342.2, NM_001348803.3, NM_001393393.1 and 1 more transcripts); c.1147G>T, p.Val383Phe (NM_001164343.2, NM_001164344.4, NM_001164345.4 and 9 more transcripts); short protein forms V456F, V383F.
Identifiers: ClinVar variation 3633361 (VCV003633361.2).